The following is an entry in ClinVar:

ClinVar aggregate classification (germline): Uncertain significance (1 of 4 stars; one submission).

Conditions:
Hereditary sensory and autonomic neuropathy type 6. Also called: Neuropathy, hereditary sensory and autonomic, type VI; HSAN VI. Identifiers: Orphanet 314381, MedGen C3539003, MONDO:0013839, OMIM 614653.
Epidermolysis bullosa simplex 3, localized or generalized intermediate, with BP230 deficiency (EBS3). Also called: Epidermolysis bullosa simplex, autosomal recessive 2; Epidermolysis bullosa simplex due to BP230 deficiency. Identifiers: Orphanet 412181, MedGen C3809470, MONDO:0014180, OMIM 615425.

Allele frequency attached by ClinVar (database versions not stated): gnomAD 0.00001; gnomAD exomes 0.00001 and 0.00005; ExAC 0.00002.
gnomAD v4.1: 69 of 1,596,986 alleles (0.0043%); highest among the groups gnomAD compares: Non-Finnish European, 0.0057%; no homozygotes.

Submission:

Labcorp Genetics (formerly Invitae), Labcorp
Classification: Uncertain significance for Epidermolysis bullosa simplex 3, localized or generalized intermediate, with BP230 deficiency; Hereditary sensory and autonomic neuropathy type 6. Last evaluated: 2022-12-23. Review status: criteria provided, single submitter. Criteria: Invitae Variant Classification Sherloc (09022015). Collection method: clinical testing. Allele origin: germline.
Comment: In summary, the available evidence is currently insufficient to determine the role of this variant in disease. Therefore, it has been classified as a Variant of Uncertain Significance. This variant has not been reported in the literature in individuals affected with DST-related conditions. This variant is present in population databases (rs749377991, gnomAD 0.003%). This sequence change replaces glutamine, which is neutral and polar, with glutamic acid, which is acidic and polar, at codon 4696 of the DST protein (p.Gln4696Glu). The DST gene has multiple clinically relevant transcripts. This variant occurs in alternate transcript NM_015548.4, and corresponds to NM_001723.5:c.*141605C>G in the primary transcript.

NM_001374736.1(DST):c.21955C>G (p.Gln7319Glu)

Gene: DST (dystonin; minus strand). Cytogenetic location: 6p12.1.
Variant type: single nucleotide variant.
Coding change: c.21955C>G on transcript NM_001374736.1 (MANE Select); coding-DNA position 21955, C replaced by G.
Protein change: p.Gln7319Glu; replaces glutamine 7319 with glutamic acid.
Molecular consequence: missense variant.
Genome position (GRCh38, 1-based): chr6:56,473,912, G>C on the plus strand (C>G on the coding strand, the complement: DST is on the minus strand). VCF-style: chr6-56473912-G-C. GRCh37 (hg19) VCF-style: chr6-56338710-G-C.
Other names: c.15598C>G, p.Gln5200Glu (NM_001144769.5); c.15184C>G, p.Gln5062Glu (NM_001144770.2); c.21955C>G, p.Gln7319Glu (NM_001374722.1); c.20995C>G, p.Gln6999Glu (NM_001374729.1); c.14737C>G, p.Gln4913Glu (NM_001374730.1); c.21982C>G, p.Gln7328Glu (NM_001374734.1); c.14086C>G, p.Gln4696Glu (NM_015548.5); c.15064C>G, p.Gln5022Glu (NM_183380.4); short protein forms Q4696E, Q4913E, Q5062E, Q5200E, Q5022E, Q7319E, Q7328E, Q6999E.
Identifiers: ClinVar variation 965259 (VCV000965259.8), dbSNP rs749377991, ClinGen allele CA3866364.
Genomic context (GRCh38, chr6:56,473,912, plus strand): 5'-AAGAAATTGATCACTGCTTACTTCCTGCTCGTCCCTTATCCAAGACTGGAATATGGGATT[G>C]TAATGAGGAAGGATCAGCAGCTCTCCTCTTATAGGTCTTCGTTACTTTATCAACATCAGG-3'
Protein context (NP_001361665.1, residues 7309-7329): KRRAADPSSL[Gln7319Glu]SHIPVLDKGR